The following is an entry in ClinVar:

NM_024926.4(IFT56):c.243A>C (p.Glu81Asp)

Gene: IFT56 (intraflagellar transport 56; plus strand). Cytogenetic location: 7q34.
Variant type: single nucleotide variant.
Coding change: c.243A>C on transcript NM_024926.4 (MANE Select); coding-DNA position 243, A replaced by C.
Protein change: p.Glu81Asp; replaces glutamic acid 81 with aspartic acid.
Molecular consequence: missense variant. On other transcripts: 5 prime UTR variant (2).
Genome position (GRCh38, 1-based): chr7:139,139,898, A>C. VCF-style: chr7-139139898-A-C. GRCh37 (hg19) VCF-style: chr7-138824644-A-C.
Other names: c.243A>C, p.Glu81Asp (NM_001144920.3, NM_001287512.2, NM_001321740.2 and 2 more transcripts); c.150A>C, p.Glu50Asp (NM_001144923.3); c.-73A>C (NM_001287513.2); c.-339A>C (NM_001318333.2); short protein forms E50D, E81D.
Identifiers: ClinVar variation 1945327 (VCV001945327.4), dbSNP rs1433296317, ClinGen allele CA369398129.

ClinVar aggregate classification (germline): Uncertain significance (1 of 4 stars; one submission).

Allele frequency attached by ClinVar (database versions not stated): gnomAD exomes below 0.00001.
gnomAD v4.1: 1 of 1,609,618 alleles (0.000062%); highest among the groups gnomAD compares: Admixed American, 0.0017%; no homozygotes.

Submission:

Labcorp Genetics (formerly Invitae), Labcorp
Classification: Uncertain significance. Last evaluated: 2022-06-13. Review status: criteria provided, single submitter. Criteria: Invitae Variant Classification Sherloc (09022015). Collection method: clinical testing. Allele origin: germline.
Comment: This sequence change replaces glutamic acid, which is acidic and polar, with aspartic acid, which is acidic and polar, at codon 81 of the TTC26 protein (p.Glu81Asp). This variant is present in population databases (no rsID available, gnomAD 0.003%). This variant has not been reported in the literature in individuals affected with TTC26-related conditions. Algorithms developed to predict the effect of missense changes on protein structure and function (SIFT, PolyPhen-2, Align-GVGD) all suggest that this variant is likely to be tolerated. In summary, the available evidence is currently insufficient to determine the role of this variant in disease. Therefore, it has been classified as a Variant of Uncertain Significance.